The following is an entry in ClinVar:

NM_000718.4(CACNA1B):c.6149ACC[4] (p.His2054del)

Gene: CACNA1B (calcium voltage-gated channel subunit alpha1 B; plus strand). Cytogenetic location: 9q34.3.
Variant type: Microsatellite.
Coding change: c.6149ACC[4] on transcript NM_000718.4 (MANE Select); four copies in a row of the 3-base unit ACC starting at c.6149; the reference has five copies in a row; one copy, 3 bases deleted.
Protein change: p.His2054del; deletes histidine 2054.
Genome position (GRCh38, 1-based): chr9:138,120,295-138,120,297, ACC deleted; deleting any 3 consecutive bases within chr9:138,120,282-138,120,297 gives the same sequence; the position shown is the placement nearest the transcript's 3' end. VCF-style (leftmost placement, unchanged base first): chr9-138120281-GCAC-G. GRCh37 (hg19) VCF-style: chr9-141014733-GCAC-G.
Other names: c.6149ACC[4], p.His2054del (NM_001243812.2); short protein forms H2054del.
Identifiers: ClinVar variation 3033219 (VCV003033219.2), dbSNP rs763315639, ClinGen allele CA5377624.

ClinVar aggregate classification (germline): Benign (0 of 4 stars; one submission).

Conditions:
CACNA1B-related disorder. Also called: CACNA1B-related condition.

Submission:

PreventionGenetics, part of Exact Sciences
Classification: Benign for CACNA1B-related condition. Last evaluated: 2019-03-20. Review status: no assertion criteria provided. Collection method: clinical testing. Allele origin: germline.
Comment: This variant is classified as benign based on ACMG/AMP sequence variant interpretation guidelines (Richards et al. 2015 PMID: 25741868, with internal and published modifications).